The following is an entry in ClinVar:

NM_001142416.2(AIMP1):c.670C>T (p.Gln224Ter)

Gene: AIMP1 (aminoacyl tRNA synthetase complex interacting multifunctional protein 1; plus strand). Cytogenetic location: 4q24.
Variant type: single nucleotide variant.
Coding change: c.670C>T on transcript NM_001142416.2 (MANE Select); coding-DNA position 670, C replaced by T.
Protein change: p.Gln224Ter; replaces glutamine 224 with a stop codon.
Molecular consequence: nonsense.
Genome position (GRCh38, 1-based): chr4:106,336,935, C>T. VCF-style: chr4-106336935-C-T. GRCh37 (hg19) VCF-style: chr4-107258092-C-T.
Other names: c.670C>T, p.Gln224Ter (NM_001142415.2, NM_004757.4); short protein forms Q224*.
Identifiers: ClinVar variation 2788051 (VCV002788051.3), dbSNP rs1031257695, ClinGen allele CA357974398.
Genomic context (GRCh38, chr4:106,336,935, plus strand): 5'-AATCGGATGGTGATTTTACTTTGTAACCTGAAACCTGCAAAGATGAGGGGAGTATTATCT[C>T]AAGCAATGGTCATGTGTGCTAGTTCACCAGAGAAAATTGAAATCTTGGCTCCTCCAAATG-3'

ClinVar aggregate classification (germline): Pathogenic (1 of 4 stars; one submission).

Submission:

Labcorp Genetics (formerly Invitae), Labcorp
Classification: Pathogenic. Last evaluated: 2024-04-25. Review status: criteria provided, single submitter. Criteria: Invitae Variant Classification Sherloc (09022015). Collection method: clinical testing. Allele origin: germline.
Comment: This sequence change creates a premature translational stop signal (p.Gln224*) in the AIMP1 gene. It is expected to result in an absent or disrupted protein product. Loss-of-function variants in AIMP1 are known to be pathogenic (PMID: 21092922). This variant is not present in population databases (gnomAD no frequency). This variant has not been reported in the literature in individuals affected with AIMP1-related conditions. For these reasons, this variant has been classified as Pathogenic.

Literature cited by the submitters: PubMed 21092922.